The following is an entry in ClinVar:

NM_025144.4(ALPK1):c.1297del (p.Val433fs)

Gene: ALPK1 (alpha kinase 1; plus strand). Cytogenetic location: 4q25.
Variant type: Deletion.
Coding change: c.1297del on transcript NM_025144.4 (MANE Select); coding-DNA position 1297, one base deleted (G; older notation c.1297delG).
Protein change: p.Val433fs; shifts the reading frame from valine 433.
Molecular consequence: frameshift variant.
Genome position (GRCh38, 1-based): chr4:112,430,844, G deleted. VCF-style (leftmost placement, unchanged base first): chr4-112430843-TG-T. GRCh37 (hg19) VCF-style: chr4-113351999-TG-T.
Other names: c.1297del, p.Val433fs (NM_001102406.2); c.1063del, p.Val355fs (NM_001253884.2); short protein forms V355fs, V433fs.
Identifiers: ClinVar variation 4993175 (VCV004993175.1).

ClinVar aggregate classification (germline): Uncertain significance (1 of 4 stars; one submission).

Conditions:
ALPK1-related disorder. Also called: ALPK1-related condition.

Submission:

PreventionGenetics, part of Exact Sciences
Classification: Uncertain significance for ALPK1-related condition. Last evaluated: 2026-06-20. Review status: criteria provided, single submitter. Criteria: ACMG Guidelines, 2015. Collection method: clinical testing. Allele origin: germline.
Comment: The ALPK1 c.1297delG variant is predicted to result in a frameshift and premature protein termination (p.Val433Phefs*61). To our knowledge, this variant has not been reported in the literature. This variant is absent in a large population database (gnomAD), indicating this variant is rare. Loss-of-function variants are not an established mechanism of disease. Therefore the clinical significance of this variant is uncertain due to the absence of conclusive functional and genetic evidence.